The following is an entry in ClinVar:

NM_153816.6(SNX14):c.159G>T (p.Met53Ile)

Gene: SNX14 (sorting nexin 14; minus strand). Cytogenetic location: 6q14.3.
Variant type: single nucleotide variant.
Coding change: c.159G>T on transcript NM_153816.6 (MANE Select); coding-DNA position 159, G replaced by T.
Protein change: p.Met53Ile; replaces methionine 53 with isoleucine.
Molecular consequence: missense variant. On other transcripts: initiator codon variant (5), 5 prime UTR variant (9), non-coding transcript variant (6).
Genome position (GRCh38, 1-based): chr6:85,574,360, C>A on the plus strand (G>T on the coding strand, the complement: SNX14 is on the minus strand). VCF-style: chr6-85574360-C-A. GRCh37 (hg19) VCF-style: chr6-86284078-C-A.
Other names: c.159G>T, p.Met53Ile (NM_001297614.3, NM_001350533.2, NM_001350534.2 and 7 more transcripts); c.3G>T, p.Met1Ile (NM_001304479.2, NM_001350539.2, NM_001350542.2 and 2 more transcripts); c.222G>T, p.Met74Ile (NM_001350532.2); c.-242G>T (NM_001350545.2, NM_001350546.2); c.-807G>T (NM_001350547.2); c.-861G>T (NM_001350548.2); c.-993G>T (NM_001350549.2, NM_001350550.2, NM_001350553.2); c.-908G>T (NM_001350551.2); and 2 more; short protein forms M1I, M53I, M74I.
Identifiers: ClinVar variation 1321573 (VCV001321573.32), dbSNP rs141583952, ClinGen allele CA3912521.

ClinVar aggregate classification (germline): Uncertain significance. Review status: criteria provided, multiple submitters, no conflicts (2 of 4 stars). 5 submissions from 5 submitters: Uncertain significance (5). Last evaluated 2025-07-25.

Conditions:
Inborn genetic diseases. Identifiers: MedGen C0950123, MeSH D030342.

Allele frequency attached by ClinVar (database versions not stated): 1000 Genomes Project 30x 0.00016; 1000 Genomes Project 0.00020; gnomAD 0.00035 and 0.00036; TOPMed 0.00044; ExAC 0.00045; gnomAD exomes 0.00045 and 0.00046; ESP Exome Variant Server 0.00046.
gnomAD v4.1: 684 of 1,558,716 alleles (0.044%); highest among the groups gnomAD compares: Admixed American, 0.065%; no homozygotes.

Submissions (8):

GeneDx
Classification: Uncertain significance. Last evaluated: 2025-07-25. Review status: criteria provided, single submitter. Criteria: GeneDx Variant Classification Process June 2021. Collection method: clinical testing. Allele origin: germline. Affected: yes.
Comment: In silico analysis suggests that this missense variant does not alter protein structure/function; Has not been previously published as pathogenic or benign to our knowledge

Labcorp Genetics (formerly Invitae), Labcorp
Classification: Uncertain significance. Last evaluated: 2024-12-02. Review status: criteria provided, single submitter. Criteria: Invitae Variant Classification Sherloc (09022015). Collection method: clinical testing. Allele origin: germline.
Comment: This sequence change replaces methionine, which is neutral and non-polar, with isoleucine, which is neutral and non-polar, at codon 53 of the SNX14 protein (p.Met53Ile). This variant is present in population databases (rs141583952, gnomAD 0.08%), and has an allele count higher than expected for a pathogenic variant. This variant has not been reported in the literature in individuals affected with SNX14-related conditions. ClinVar contains an entry for this variant (Variation ID: 1321573). Invitae Evidence Modeling of protein sequence and biophysical properties (such as structural, functional, and spatial information, amino acid conservation, physicochemical variation, residue mobility, and thermodynamic stability) indicates that this missense variant is not expected to disrupt SNX14 protein function with a negative predictive value of 80%. In summary, the available evidence is currently insufficient to determine the role of this variant in disease. Therefore, it has been classified as a Variant of Uncertain Significance.

CeGaT Center for Human Genetics Tuebingen
Classification: Uncertain significance. Last evaluated: 2024-03-01. Review status: criteria provided, single submitter. Criteria: CeGaT Center For Human Genetics Tuebingen Variant Classification Criteria Version 2. Collection method: clinical testing. Allele origin: germline. Affected: yes. Observed: 2 variant alleles.
Comment: SNX14: PM2:Supporting

Ambry Genetics
Classification: Uncertain significance for Inborn genetic diseases. Last evaluated: 2024-02-12. Review status: criteria provided, single submitter. Criteria: Ambry Variant Classification Scheme 2023. Collection method: clinical testing. Allele origin: germline.

Blueprint Genetics
Classification: Uncertain significance. Last evaluated: 2024-01-26. Review status: criteria provided, single submitter. Criteria: ACMG Guidelines, 2015. Collection method: clinical testing. Allele origin: germline.

Dr. Peter K. Rogan Lab, Western University
No classification provided (evidence only). Condition: Familial cancer of breast. Review status: no classification provided. Collection method: in vitro. Allele origin: not applicable. Functional consequence: retained intron. Not counted in ClinVar's aggregate classification.

Dr. Peter K. Rogan Lab, Western University
No classification provided (evidence only). Condition: Sarcoma. Review status: no classification provided. Collection method: in vitro. Allele origin: not applicable. Functional consequence: retained intron. Not counted in ClinVar's aggregate classification.

Dr. Peter K. Rogan Lab, Western University
No classification provided (evidence only). Condition: Hepatocellular carcinoma. Review status: no classification provided. Collection method: in vitro. Allele origin: not applicable. Functional consequence: retained intron. Not counted in ClinVar's aggregate classification.